The following is an entry in ClinVar:

NM_017612.5(ZCCHC8):c.611A>G (p.His204Arg)

Gene: ZCCHC8 (zinc finger CCHC-type containing 8; minus strand). Cytogenetic location: 12q24.31.
Variant type: single nucleotide variant.
Coding change: c.611A>G on transcript NM_017612.5 (MANE Select); coding-DNA position 611, A replaced by G.
Protein change: p.His204Arg; replaces histidine 204 with arginine.
Molecular consequence: missense variant. On other transcripts: intron variant (3).
Genome position (GRCh38, 1-based): chr12:122,483,339, T>C on the plus strand (A>G on the coding strand, the complement: ZCCHC8 is on the minus strand). VCF-style: chr12-122483339-T-C. GRCh37 (hg19) VCF-style: chr12-122967886-T-C.
Other names: c.314A>G, p.His105Arg (NM_001350936.2); c.-43-644A>G (NM_001350938.2, NM_001350937.2); c.502-1252A>G (NM_001350935.2); short protein forms H105R, H204R.
Identifiers: ClinVar variation 3703420 (VCV003703420.2).

ClinVar aggregate classification (germline): Uncertain significance (1 of 4 stars; one submission).

gnomAD v4.1: 9 of 1,596,130 alleles (0.00056%); highest among the groups gnomAD compares: Non-Finnish European, 0.00077%; no homozygotes.

Submission:

Labcorp Genetics (formerly Invitae), Labcorp
Classification: Uncertain significance. Last evaluated: 2024-06-23. Review status: criteria provided, single submitter. Criteria: Invitae Variant Classification Sherloc (09022015). Collection method: clinical testing. Allele origin: germline.
Comment: This sequence change replaces histidine, which is basic and polar, with arginine, which is basic and polar, at codon 204 of the ZCCHC8 protein (p.His204Arg). This variant is not present in population databases (gnomAD no frequency). This variant has not been reported in the literature in individuals affected with ZCCHC8-related conditions. Advanced modeling of protein sequence and biophysical properties (such as structural, functional, and spatial information, amino acid conservation, physicochemical variation, residue mobility, and thermodynamic stability) performed at Invitae indicates that this missense variant is not expected to disrupt ZCCHC8 protein function with a negative predictive value of 80%. In summary, the available evidence is currently insufficient to determine the role of this variant in disease. Therefore, it has been classified as a Variant of Uncertain Significance.